The following is an entry in ClinVar:

ClinVar aggregate classification (germline): Benign/Likely benign. Review status: criteria provided, multiple submitters, no conflicts (2 of 4 stars). 10 submissions from 10 submitters: Benign (6); Likely benign (1). 3 of the submissions do not count toward it. Last evaluated 2025-07-08.

Conditions:
Danon disease. Also called: ANTOPOL DISEASE; Glycogen Storage Disease Type IIb; PSEUDOGLYCOGENOSIS II; GSD IIb; LYSOSOMAL GLYCOGEN STORAGE DISEASE WITHOUT ACID MALTASE DEFICIENCY. Identifiers: Orphanet 34587, MedGen C0878677, MONDO:0010281, OMIM 300257.

Allele frequency attached by ClinVar (database versions not stated): gnomAD exomes 0.00469 and 0.01021; ESP Exome Variant Server 0.01255; gnomAD 0.01396 and 0.01441; ExAC 0.01545; TOPMed 0.01628; 1000 Genomes Project 30x 0.03080; 1000 Genomes Project 0.03152.
gnomAD v4.1: 6,899 of 1,197,967 alleles (0.58%); highest among the groups gnomAD compares: East Asian, 8.3%; 126 homozygotes.

Submissions (10):

ARUP Laboratories, Molecular Genetics and Genomics, ARUP Laboratories
Classification: Benign for Danon disease. Last evaluated: 2025-07-08. Review status: criteria provided, single submitter. Criteria: ARUP Molecular Germline Variant Investigation Process 2024. Collection method: clinical testing. Allele origin: germline.

Molecular Diagnostic Laboratory for Inherited Cardiovascular Disease, Montreal Heart Institute
Classification: Benign. Last evaluated: 2025-04-09. Review status: criteria provided, single submitter. Criteria: ACMG Guidelines, 2015. Collection method: clinical testing. Allele origin: germline. Affected: no.

Blueprint Genetics
Classification: Benign. Last evaluated: 2024-11-28. Review status: criteria provided, single submitter. Criteria: ACMG Guidelines, 2015. Collection method: clinical testing. Allele origin: germline.

Illumina Laboratory Services, Illumina
Classification: Benign for Danon disease. Last evaluated: 2018-01-12. Review status: criteria provided, single submitter. Criteria: ICSL Variant Classification Criteria 13 December 2019. Collection method: clinical testing. Allele origin: germline.
Comment: This variant was observed in the ICSL laboratory as part of a predisposition screen in an ostensibly healthy population. It had not been previously curated by ICSL or reported in the Human Gene Mutation Database (HGMD: prior to June 1st, 2018), and was therefore a candidate for classification through an automated scoring system. Utilizing variant allele frequency, disease prevalence and penetrance estimates, and inheritance mode, an automated score was calculated to assess if this variant is too frequent to cause the disease. Based on the score and internal cut-off values, a variant classified as benign is not then subjected to further curation. The score for this variant resulted in a classification of benign for this disease.

GeneDx
Classification: Benign. Last evaluated: 2015-03-03. Review status: criteria provided, single submitter. Criteria: GeneDx Variant Classification Process June 2021. Collection method: clinical testing. Allele origin: germline. Affected: yes.

Laboratory for Molecular Medicine, Mass General Brigham Personalized Medicine
Classification: Benign. Last evaluated: 2011-09-30. Review status: criteria provided, single submitter. Criteria: LMM Criteria. Collection method: clinical testing. Allele origin: germline. Observed: 40 variant alleles.

Breakthrough Genomics
Classification: Likely benign. Review status: criteria provided, single submitter. Criteria: ACMG Guidelines, 2015. Collection method: not provided. Allele origin: germline. Inheritance: X-linked inheritance. Affected: yes.

Clinical Genetics DNA and cytogenetics Diagnostics Lab, Erasmus MC, Erasmus Medical Center
Classification: Benign. Review status: no assertion criteria provided. Collection method: clinical testing. Allele origin: germline. Affected: yes. Study: VKGL Data-share Consensus. Not counted in ClinVar's aggregate classification.

Clinical Genetics, Academic Medical Center
Classification: Benign. Review status: no assertion criteria provided. Collection method: clinical testing. Allele origin: germline. Affected: yes. Study: VKGL Data-share Consensus. Not counted in ClinVar's aggregate classification.

Joint Genome Diagnostic Labs from Nijmegen and Maastricht, Radboudumc and MUMC+
Classification: Benign. Review status: no assertion criteria provided. Collection method: clinical testing. Allele origin: germline. Affected: yes. Study: VKGL Data-share Consensus. Not counted in ClinVar's aggregate classification.

NM_002294.3(LAMP2):c.*2746A>G

Gene: LAMP2 (lysosome associated membrane protein 2; minus strand). Cytogenetic location: Xq24.
Variant type: single nucleotide variant.
Coding change: c.*2746A>G on transcript NM_002294.3 (MANE Select); 2746 bases downstream of the stop codon, A replaced by G.
Molecular consequence: 3 prime UTR variant. On other transcripts: synonymous variant (1).
Genome position (GRCh38, 1-based): chrX:120,428,577, T>C on the plus strand (A>G on the coding strand, the complement: LAMP2 is on the minus strand). VCF-style: chrX-120428577-T-C. GRCh37 (hg19) VCF-style: chrX-119562432-T-C.
Other names: c.1143A>G, p.Ala381= (NM_001122606.1).
Identifiers: ClinVar variation 43956 (VCV000043956.28), dbSNP rs3827478, ClinGen allele CA133230.
Genomic context (GRCh38, chrX:120,428,577, plus strand): 5'-TCTTCCAATCATATAAGAGATAAAGACAACAATTATAAGGAAGCCCAAGGCCACACCCAC[T>C]GCAACAGGAATAAGAAAGTTGAGGTCAGAGTCAGCAGAACATTCTTCAGCTGTTAGAAAA-3'